The following is an entry in ClinVar:

ClinVar aggregate classification (germline): Likely benign (0 of 4 stars; one submission).

Conditions:
NTN1-related disorder. Also called: NTN1-related condition.

Allele frequency attached by ClinVar (database versions not stated): TOPMed 0.00012; gnomAD exomes 0.00024; gnomAD 0.00025; 1000 Genomes Project 30x 0.00031; 1000 Genomes Project 0.00040; ExAC 0.00060.
gnomAD v4.1: 389 of 1,608,774 alleles (0.024%); highest among the groups gnomAD compares: Middle Eastern, 0.25%; 1 homozygote.

Submission:

PreventionGenetics, part of Exact Sciences
Classification: Likely benign for NTN1-related condition. Last evaluated: 2020-04-20. Review status: no assertion criteria provided. Collection method: clinical testing. Allele origin: germline.
Comment: This variant is classified as likely benign based on ACMG/AMP sequence variant interpretation guidelines (Richards et al. 2015 PMID: 25741868, with internal and published modifications).

NM_004822.3(NTN1):c.628A>G (p.Met210Val)

Gene: NTN1 (netrin 1; plus strand). Cytogenetic location: 17p13.1.
Variant type: single nucleotide variant.
Coding change: c.628A>G on transcript NM_004822.3 (MANE Select); coding-DNA position 628, A replaced by G.
Protein change: p.Met210Val; replaces methionine 210 with valine.
Molecular consequence: missense variant.
Genome position (GRCh38, 1-based): chr17:9,023,001, A>G. VCF-style: chr17-9023001-A-G. GRCh37 (hg19) VCF-style: chr17-8926318-A-G.
Other names: short protein forms M210V.
Identifiers: ClinVar variation 3035692 (VCV003035692.2), dbSNP rs199674301, ClinGen allele CA8381026.